The following is an entry in ClinVar:

ClinVar aggregate classification (germline): Uncertain significance (1 of 4 stars; one submission).

Conditions:
NTRK2-related disorder. Also called: NTRK2-related condition.

Submission:

PreventionGenetics, part of Exact Sciences
Classification: Uncertain significance for NTRK2-related condition. Last evaluated: 2026-04-02. Review status: criteria provided, single submitter. Criteria: ACMG Guidelines, 2015. Collection method: clinical testing. Allele origin: germline.
Comment: The NTRK2 c.2071C>G variant is predicted to result in the amino acid substitution p.Arg691Gly. To our knowledge, this variant has not been reported in the literature or in a large population database (gnomAD), indicating this variant is rare. At this time, the clinical significance of this variant is uncertain due to the absence of conclusive functional and genetic evidence.

NM_006180.6(NTRK2):c.2071C>G (p.Arg691Gly)

Gene: NTRK2 (neurotrophic receptor tyrosine kinase 2; plus strand). Cytogenetic location: 9q21.33.
Variant type: single nucleotide variant.
Coding change: c.2071C>G on transcript NM_006180.6 (MANE Select); coding-DNA position 2071, C replaced by G.
Protein change: p.Arg691Gly; replaces arginine 691 with glycine.
Molecular consequence: missense variant.
Genome position (GRCh38, 1-based): chr9:84,955,416, C>G. VCF-style: chr9-84955416-C-G. GRCh37 (hg19) VCF-style: chr9-87570331-C-G.
Other names: c.2023C>G, p.Arg675Gly (NM_001018064.3, NM_001369532.1, NM_001369533.1); c.1987C>G, p.Arg663Gly (NM_001369534.1); c.1555C>G, p.Arg519Gly (NM_001369535.1); c.1603C>G, p.Arg535Gly (NM_001369536.1); short protein forms R663G, R691G, R519G, R675G, R535G.
Identifiers: ClinVar variation 4992627 (VCV004992627.1).